The following is an entry in ClinVar:

NM_000382.3(ALDH3A2):c.1094C>T (p.Ser365Leu)

Gene: ALDH3A2 (aldehyde dehydrogenase 3 family member A2; plus strand). Cytogenetic location: 17p11.2.
Variant type: single nucleotide variant.
Coding change: c.1094C>T on transcript NM_000382.3 (MANE Select); coding-DNA position 1094, C replaced by T.
Protein change: p.Ser365Leu; replaces serine 365 with leucine.
Molecular consequence: missense variant.
Genome position (GRCh38, 1-based): chr17:19,663,486, C>T. VCF-style: chr17-19663486-C-T. GRCh37 (hg19) VCF-style: chr17-19566799-C-T.
Other names: c.1094C>T, p.Ser365Leu (NM_001031806.2, NM_001369136.1, NM_001369137.2 and 3 more transcripts); c.515C>T, p.Ser172Leu (NM_001369148.2); short protein forms S365L, S172L.
Identifiers: ClinVar variation 371221 (VCV000371221.12), dbSNP rs72547573, ClinGen allele CA16041815.

ClinVar aggregate classification (germline): Pathogenic/Likely pathogenic. Review status: criteria provided, multiple submitters, no conflicts (2 of 4 stars). 5 submissions from 5 submitters: Pathogenic (3); Likely pathogenic (1). 1 of the submissions does not count toward it. Last evaluated 2025-09-03.

Conditions:
Sjögren-Larsson syndrome (SLS). Also called: FALDH DEFICIENCY; FATTY ALCOHOL:NAD+ OXIDOREDUCTASE DEFICIENCY; FATTY ALDEHYDE DEHYDROGENASE DEFICIENCY; ICHTHYOSIS, SPASTIC NEUROLOGIC DISORDER, AND OLIGOPHRENIA. Identifiers: Orphanet 816, MedGen C0037231, MONDO:0010031, OMIM 270200.

Allele frequency attached by ClinVar (database versions not stated): gnomAD 0.00002; TOPMed 0.00003.
gnomAD v4.1: 7 of 1,613,836 alleles (0.00043%); highest among the groups gnomAD compares: East Asian, 0.0022%; no homozygotes.

Submissions (5):

3billion
Classification: Likely pathogenic for Sjögren-Larsson syndrome. Last evaluated: 2025-09-03. Review status: criteria provided, single submitter. Criteria: ACMG Guidelines, 2015. Collection method: clinical testing. Allele origin: germline. Affected: yes.
Comment: The variant is observed at an extremely low frequency in the gnomAD v4.1.0 dataset (total allele frequency: <0.001%). Predicted Consequence/Location: Missense variant In silico tool predictions suggest damaging effect of the variant on gene or gene product [REVEL: 0.85 (>=0.6, sensitivity 0.68 and specificity 0.92); 3Cnet: 0.99 (> 0.75, sensitivity 0.96 and precision 0.92)]. The same nucleotide change resulting in the same amino acid change has been previously reported as pathogenic/likely pathogenic with strong evidence (ClinVar ID: VCV000371221 /PMID: 9829906). A different missense change at the same codon (p.Ser365Pro) has been reported to be associated with ALDH3A2-related disorder (ClinVar ID: VCV001509942). Therefore, this variant is classified as Likely pathogenic according to the recommendation of ACMG/AMP guideline.

Natera, Inc.
Classification: Pathogenic for Sjögren-Larsson syndrome. Last evaluated: 2025-03-06. Review status: criteria provided, single submitter. Criteria: Natera Variant Classification Schema (03/2026). Collection method: clinical testing. Allele origin: germline.
Comment: The c.1094C>T variant in ALDH3A2 is a missense variant predicted to cause substitution of serine to leucine at amino acid 365. This variant is rare in the general population with a frequency below the threshold expected for the associated phenotype(s). This variant has been observed in one or more individuals affected with the associated recessive disease, as either homozygous or compound heterozygous with a second variant (PMID: 31273323, 17902024). Given the available evidence, this variant is classified as Pathogenic.

Women's Health and Genetics/Laboratory Corporation of America, LabCorp
Classification: Pathogenic for Sjögren-Larsson syndrome. Last evaluated: 2023-11-28. Review status: criteria provided, single submitter. Criteria: LabCorp Variant Classification Summary - May 2015. Collection method: clinical testing. Allele origin: germline.
Comment: Variant summary: ALDH3A2 c.1094C>T (p.Ser365Leu) results in a non-conservative amino acid change located in the Aldehyde dehydrogenase domain (IPR016161) of the encoded protein sequence. Five of five in-silico tools predict a damaging effect of the variant on protein function. The variant was absent in 251160 control chromosomes. c.1094C>T has been reported in the literature in multiple individuals affected with Sjogren-Larsson Syndrome (examples, Abdel_2019, Rizzo_1999). These data indicate that the variant is very likely to be associated with disease. At least one publication reports experimental evidence evaluating an impact on protein function. The most pronounced variant effect results in about 3% of normal activity in FAA-K1A cells (Rizzo_1999). The following publications have been ascertained in the context of this evaluation (PMID: 31273323, 10577908). Two submitters have cited clinical-significance assessments for this variant to ClinVar after 2014. Both submitters classified the variant as pathogenic/likely pathogenic. Based on the evidence outlined above, the variant was classified as pathogenic.

Labcorp Genetics (formerly Invitae), Labcorp
Classification: Pathogenic. Last evaluated: 2023-04-10. Review status: criteria provided, single submitter. Criteria: Invitae Variant Classification Sherloc (09022015). Collection method: clinical testing. Allele origin: germline.
Comment: This sequence change replaces serine, which is neutral and polar, with leucine, which is neutral and non-polar, at codon 365 of the ALDH3A2 protein (p.Ser365Leu). This variant is not present in population databases (gnomAD no frequency). For these reasons, this variant has been classified as Pathogenic. Experimental studies have shown that this missense change affects ALDH3A2 function (PMID: 19965611). Advanced modeling of protein sequence and biophysical properties (such as structural, functional, and spatial information, amino acid conservation, physicochemical variation, residue mobility, and thermodynamic stability) has been performed at Invitae for this missense variant, however the output from this modeling did not meet the statistical confidence thresholds required to predict the impact of this variant on ALDH3A2 protein function. ClinVar contains an entry for this variant (Variation ID: 371221). This missense change has been observed in individual(s) with Sjogren-Larsson syndrome (PMID: 9829906, 17902024, 31273323). In at least one individual the data is consistent with being in trans (on the opposite chromosome) from a pathogenic variant.

Counsyl
Classification: Likely pathogenic for Sjögren-Larsson syndrome. Last evaluated: 2016-08-01. Review status: no assertion criteria provided. Collection method: clinical testing. Allele origin: unknown. Not counted in ClinVar's aggregate classification.

Literature cited by the submitters: PubMed 9829906 (cited by 3 submitters); PubMed 31273323 (cited by 3 submitters); PubMed 17902024 (cited by 3 submitters); PubMed 10577908 (cited by Women's Health and Genetics/Laboratory Corporation of America, LabCorp and Counsyl); PubMed 19965611 (cited by Labcorp Genetics (formerly Invitae), Labcorp); PubMed 16546179 (cited by Counsyl); PubMed 25047030 (cited by Counsyl).